The following is an entry in ClinVar:

NM_004667.6(HERC2):c.2317-11T>G

Genes: HERC2 (HECT and RLD domain containing E3 ubiquitin protein ligase 2; minus strand), LOC129390675 (MPRA-validated peak2277 silencer; plus strand). Cytogenetic location: 15q13.1.
Variant type: single nucleotide variant.
Coding change: c.2317-11T>G on transcript NM_004667.6 (MANE Select); 11 bases into the intron before coding-DNA position 2317, T replaced by G.
Molecular consequence: intron variant.
Genome position (GRCh38, 1-based): chr15:28,257,272, A>C on the plus strand (T>G on the coding strand, the complement: HERC2 is on the minus strand). VCF-style: chr15-28257272-A-C. GRCh37 (hg19) VCF-style: chr15-28502418-A-C.
Identifiers: ClinVar variation 2575821 (VCV002575821.1), dbSNP rs2549298667, ClinGen allele CA2580613784.

ClinVar aggregate classification (germline): Uncertain significance (1 of 4 stars; one submission).

Submission:

GeneDx
Classification: Uncertain significance. Last evaluated: 2023-02-09. Review status: criteria provided, single submitter. Criteria: GeneDx Variant Classification Process June 2021. Collection method: clinical testing. Allele origin: germline. Affected: yes.
Comment: Not observed at significant frequency in large population cohorts (gnomAD); Has not been previously published as pathogenic or benign to our knowledge; In silico analysis is inconclusive as to whether the variant alters gene splicing. In the absence of RNA/functional studies, the actual effect of this sequence change is unknown.